The following is an entry in ClinVar:

NM_001144967.3(NEDD4L):c.1205A>G (p.Tyr402Cys)

Gene: NEDD4L (NEDD4 like E3 ubiquitin protein ligase; plus strand). Cytogenetic location: 18q21.31.
Variant type: single nucleotide variant.
Coding change: c.1205A>G on transcript NM_001144967.3 (MANE Select); coding-DNA position 1205, A replaced by G.
Protein change: p.Tyr402Cys; replaces tyrosine 402 with cysteine.
Molecular consequence: missense variant. On other transcripts: intron variant (1).
Genome position (GRCh38, 1-based): chr18:58,341,117, A>G. VCF-style: chr18-58341117-A-G. GRCh37 (hg19) VCF-style: chr18-56008349-A-G.
Other names: c.842A>G, p.Tyr281Cys (NM_001144964.1, NM_001144965.2, NM_001144966.3); c.1181A>G, p.Tyr394Cys (NM_001144968.2); c.1121A>G, p.Tyr374Cys (NM_001144969.2); c.782A>G, p.Tyr261Cys (NM_001144970.3, NM_001144971.2); c.1145A>G, p.Tyr382Cys (NM_015277.6); c.1066-561A>G (NM_001243960.2); short protein forms Y261C, Y382C, Y402C, Y394C, Y281C, Y374C.
Identifiers: ClinVar variation 2156405 (VCV002156405.4), dbSNP rs766536186, ClinGen allele CA402561475.
Genomic context (GRCh38, chr18:58,341,117, plus strand): 5'-ATACCACGCCGGGTCTGCCTTCAGGCTGGGAAGAAAGAAAAGATGCTAAGGGGCGCACAT[A>G]CTATGTCAATCATAACAATCGAACCACAACTTGGACTCGACCTATCATGCAGGTACGAAG-3'
Protein context (NP_001138439.1, residues 392-412): EERKDAKGRT[Tyr402Cys]YVNHNNRTTT

ClinVar aggregate classification (germline): Uncertain significance (1 of 4 stars; one submission).

Submission:

Labcorp Genetics (formerly Invitae), Labcorp
Classification: Uncertain significance. Last evaluated: 2022-11-22. Review status: criteria provided, single submitter. Criteria: Invitae Variant Classification Sherloc (09022015). Collection method: clinical testing. Allele origin: germline.
Comment: In summary, the available evidence is currently insufficient to determine the role of this variant in disease. Therefore, it has been classified as a Variant of Uncertain Significance. Advanced modeling of protein sequence and biophysical properties (such as structural, functional, and spatial information, amino acid conservation, physicochemical variation, residue mobility, and thermodynamic stability) performed at Invitae indicates that this missense variant is not expected to disrupt NEDD4L protein function. This variant has not been reported in the literature in individuals affected with NEDD4L-related conditions. This variant is not present in population databases (gnomAD no frequency). This sequence change replaces tyrosine, which is neutral and polar, with cysteine, which is neutral and slightly polar, at codon 382 of the NEDD4L protein (p.Tyr382Cys).